The following is an entry in ClinVar:

NM_000051.4(ATM):c.6672G>A (p.Met2224Ile)

Genes: C11orf65 (chromosome 11 open reading frame 65; minus strand), ATM (ATM serine/threonine kinase; plus strand). Cytogenetic location: 11q22.3.
Variant type: single nucleotide variant.
Coding change: c.6672G>A on transcript NM_000051.4 (MANE Select); coding-DNA position 6672, G replaced by A.
Protein change: p.Met2224Ile; replaces methionine 2224 with isoleucine.
Molecular consequence: missense variant. On other transcripts: intron variant (2).
Genome position (GRCh38, 1-based): chr11:108,325,409, G>A. VCF-style: chr11-108325409-G-A. GRCh37 (hg19) VCF-style: chr11-108196136-G-A.
Other names: c.6672G>A, p.Met2224Ile (NM_001351834.2); c.641-16338C>T (NM_001330368.2); c.*38+9811C>T (NM_001351110.2); short protein forms M2224I.
Identifiers: ClinVar variation 1501968 (VCV001501968.10), dbSNP rs2136311974, ClinGen allele CA382554869.

ClinVar aggregate classification (germline): Uncertain significance. Review status: criteria provided, multiple submitters, no conflicts (2 of 4 stars). 2 submissions from 2 submitters: Uncertain significance (2). Last evaluated 2025-10-16.

Conditions:
Hereditary cancer-predisposing syndrome. Also called: Neoplastic Syndromes, Hereditary; Tumor predisposition; Hereditary Cancer Syndrome; Hereditary neoplastic syndrome. Identifiers: Orphanet 140162, MedGen C0027672, MeSH D009386, MONDO:0015356.
Ataxia-telangiectasia syndrome (AT). Also called: LOUIS-BAR SYNDROME; Cerebello-oculocutaneous telangiectasia; Immunodeficiency with ataxia telangiectasia; Ataxia telangiectasia (A-T); Ataxia-telangiectasia, complementation group D; AT, COMPLEMENTATION GROUP C. Identifiers: Orphanet 100, MedGen C0004135, MONDO:0008840, OMIM 208900.

Submissions (2):

Labcorp Genetics (formerly Invitae), Labcorp
Classification: Uncertain significance for Ataxia-telangiectasia syndrome. Last evaluated: 2025-10-16. Review status: criteria provided, single submitter. Criteria: Invitae Variant Classification Sherloc (09022015). Collection method: clinical testing. Allele origin: germline.
Comment: This sequence change replaces methionine, which is neutral and non-polar, with isoleucine, which is neutral and non-polar, at codon 2224 of the ATM protein (p.Met2224Ile). This variant is not present in population databases (gnomAD no frequency). This variant has not been reported in the literature in individuals affected with ATM-related conditions. ClinVar contains an entry for this variant (Variation ID: 1501968). Invitae Evidence Modeling of protein sequence and biophysical properties (such as structural, functional, and spatial information, amino acid conservation, physicochemical variation, residue mobility, and thermodynamic stability) indicates that this missense variant is not expected to disrupt ATM protein function with a negative predictive value of 95%. In summary, the available evidence is currently insufficient to determine the role of this variant in disease. Therefore, it has been classified as a Variant of Uncertain Significance.

Ambry Genetics
Classification: Uncertain significance for Hereditary cancer-predisposing syndrome. Last evaluated: 2022-09-16. Review status: criteria provided, single submitter. Criteria: Ambry Variant Classification Scheme 2023. Collection method: clinical testing. Allele origin: germline.
Comment: The p.M2224I variant (also known as c.6672G>A), located in coding exon 45 of the ATM gene, results from a G to A substitution at nucleotide position 6672. The methionine at codon 2224 is replaced by isoleucine, an amino acid with highly similar properties. This amino acid position is conserved. In addition, this alteration is predicted to be tolerated by in silico analysis. Since supporting evidence is limited at this time, the clinical significance of this alteration remains unclear.